The following is an entry in ClinVar:

NM_006005.3(WFS1):c.2263T>C (p.Cys755Arg)

Gene: WFS1 (wolframin ER transmembrane glycoprotein; plus strand). Cytogenetic location: 4p16.1.
Variant type: single nucleotide variant.
Coding change: c.2263T>C on transcript NM_006005.3 (MANE Select); coding-DNA position 2263, T replaced by C.
Protein change: p.Cys755Arg; replaces cysteine 755 with arginine.
Molecular consequence: missense variant.
Genome position (GRCh38, 1-based): chr4:6,302,058, T>C. VCF-style: chr4-6302058-T-C. GRCh37 (hg19) VCF-style: chr4-6303785-T-C.
Other names: c.2263T>C, p.Cys755Arg (NM_001145853.1); short protein forms C755R.
Identifiers: ClinVar variation 209206 (VCV000209206.8), dbSNP rs797045075, ClinGen allele CA276183.

ClinVar aggregate classification (germline): Likely pathogenic/Likely risk allele. Review status: criteria provided, multiple submitters, no conflicts (2 of 4 stars). 3 submissions from 3 submitters: Likely pathogenic (2); Likely risk allele (1). Last evaluated 2021-08-06.

Conditions:
Wolfram syndrome 1 (WFS1). Identifiers: Orphanet 3463, MedGen C4551693, MONDO:0009101, OMIM 222300.

Allele frequency attached by ClinVar (database versions not stated): gnomAD 0.00001; TOPMed 0.00001.
gnomAD v4.1: 6 of 1,612,790 alleles (0.00037%); highest among the groups gnomAD compares: East Asian, 0.0022%; no homozygotes.

Submissions (3):

Labcorp Genetics (formerly Invitae), Labcorp
Classification: Likely pathogenic. Last evaluated: 2021-08-06. Review status: criteria provided, single submitter. Criteria: Invitae Variant Classification Sherloc (09022015). Collection method: clinical testing. Allele origin: germline.
Comment: This sequence change replaces cysteine with arginine at codon 755 of the WFS1 protein (p.Cys755Arg). The cysteine residue is highly conserved and there is a large physicochemical difference between cysteine and arginine. This variant is not present in population databases (ExAC no frequency). This missense change has been observed in individual(s) with clinical features of autosomal recessive Wolfram syndrome (PMID: 24088041). In at least one individual the data is consistent with the variant being in trans (on the opposite chromosome) from a pathogenic variant. ClinVar contains an entry for this variant (Variation ID: 209206). Advanced modeling of protein sequence and biophysical properties (such as structural, functional, and spatial information, amino acid conservation, physicochemical variation, residue mobility, and thermodynamic stability) performed at Invitae indicates that this missense variant is expected to disrupt WFS1 protein function. In summary, the currently available evidence indicates that the variant is pathogenic, but additional data are needed to prove that conclusively. Therefore, this variant has been classified as Likely Pathogenic.

Baylor Genetics
Classification: Likely pathogenic for Diabetes mellitus AND insipidus with optic atrophy AND deafness. Last evaluated: 2013-10-22. Review status: criteria provided, single submitter. Criteria: Yang et al. 2013. Collection method: clinical testing. Allele origin: maternal. Inheritance: Autosomal recessive inheritance. Affected: yes. Observed: 1 variant allele, 1 compound heterozygote. Study: Adult_WES.

Clinical Genomics, Uppaluri K&H Personalized Medicine Clinic
Classification: Likely risk allele for Wolfram syndrome 1. Review status: criteria provided, single submitter. Criteria: K & H Uppaluri Personalized Medicine Clinic Variant Classification & Assertion Criteria_Updated V.1. Collection method: research. Allele origin: unknown. Inheritance: Autosomal recessive inheritance.
Comment: Potent mutations in WFS1 gene are associated with Wolfram's syndrome, an autosomal recessive condition, which cause diabetes mellitus, diabetes insipidus, deafness and optic atrophy. However no sufficient evidence is found to ascertain the role of this particular variant rs797045075 in Wolfram's syndrome yet.

Literature cited by the submitters: PubMed 24088041 (cited by Labcorp Genetics (formerly Invitae), Labcorp); PubMed 26633545 (cited by Baylor Genetics); PubMed 20738327 (cited by Clinical Genomics, Uppaluri K&H Personalized Medicine Clinic); PubMed 33879153 (cited by Clinical Genomics, Uppaluri K&H Personalized Medicine Clinic); PubMed 12955714 (cited by Clinical Genomics, Uppaluri K&H Personalized Medicine Clinic); PubMed 18060660 (cited by Clinical Genomics, Uppaluri K&H Personalized Medicine Clinic); PubMed 20301750 (cited by Clinical Genomics, Uppaluri K&H Personalized Medicine Clinic); PubMed 17603484 (cited by Clinical Genomics, Uppaluri K&H Personalized Medicine Clinic).